The following is an entry in ClinVar:

NM_004525.3(LRP2):c.2207T>C (p.Val736Ala)

Gene: LRP2 (LDL receptor related protein 2; minus strand). Cytogenetic location: 2q31.1.
Variant type: single nucleotide variant.
Coding change: c.2207T>C on transcript NM_004525.3 (MANE Select); coding-DNA position 2207, T replaced by C.
Protein change: p.Val736Ala; replaces valine 736 with alanine.
Molecular consequence: missense variant.
Genome position (GRCh38, 1-based): chr2:169,271,017, A>G on the plus strand (T>C on the coding strand, the complement: LRP2 is on the minus strand). VCF-style: chr2-169271017-A-G. GRCh37 (hg19) VCF-style: chr2-170127527-A-G.
Other names: short protein forms V736A.
Identifiers: ClinVar variation 1049643 (VCV001049643.1), dbSNP rs2105437456, ClinGen allele CA349162308.

ClinVar aggregate classification (germline): Uncertain significance (0 of 4 stars; one submission).

Allele frequency attached by ClinVar (database versions not stated): gnomAD exomes below 0.00001.
gnomAD v4.1: 1 of 1,613,270 alleles (0.000062%); highest among the groups gnomAD compares: South Asian, 0.0011%; no homozygotes.

Submission:

Department of Pathology and Laboratory Medicine, Sinai Health System
Classification: Uncertain significance. Review status: no assertion criteria provided. Collection method: clinical testing. Allele origin: unknown. Affected: yes. Study: The Canadian Open Genetics Repository (COGR).
Comment: The LRP2 p.Val736Ala variant was not identified in the literature nor was it identified in dbSNP, ClinVar, LOVD 3.0 or in the following control databases: the 1000 Genomes Project, the NHLBI GO Exome Sequencing Project, the Exome Aggregation Consortium (August 8th 2016), or the Genome Aggregation Database (March 6, 2019, v2.1.1). The p.Val736 residue is conserved in mammals and computational analyses (PolyPhen-2, SIFT, AlignGVGD, BLOSUM, MutationTaster) provide inconsistent predictions regarding the impact to the protein; this information is not very predictive of pathogenicity. The variant occurs outside of the splicing consensus sequence and in silico or computational prediction software programs (SpliceSiteFinder, MaxEntScan, NNSPLICE, GeneSplicer) do not predict a difference in splicing. In summary, based on the above information the clinical significance of this variant cannot be determined with certainty at this time. This variant is classified as a variant of uncertain significance.